The following is an entry in ClinVar:

ClinVar aggregate classification (germline): Uncertain significance (1 of 4 stars; one submission).

Conditions:
Hypertrophic cardiomyopathy. Also called: HYPERTROPHIC MYOCARDIOPATHY. Identifiers: Orphanet 217569, MedGen C0007194, MeSH D002312, MONDO:0005045, HP:0001639.

Submission:

All of Us Research Program, National Institutes of Health
Classification: Uncertain significance for Hypertrophic cardiomyopathy. Last evaluated: 2023-06-26. Review status: criteria provided, single submitter. Criteria: ACMG Guidelines, 2015. Collection method: clinical testing. Allele origin: germline. Inheritance: Autosomal dominant inheritance. Observed: 1 variant allele, 1 heterozygote.
Comment: This variant causes a C to G nucleotide substitution at the -10 position of intron 1 of the TNNI3 gene. To our knowledge, functional studies have not been reported for this variant. This variant has not been reported in individuals affected with TNNI3-related disorders in the literature. This variant has not been identified in the general population by the Genome Aggregation Database (gnomAD). The available evidence is insufficient to determine the role of this variant in disease conclusively. Therefore, this variant is classified as a Variant of Uncertain Significance.

This study involves interpretation of variants in research participants for the purpose of population health screening. Participant phenotype was not available at the time of variant classification. Additional details can be found in publication PMID: 35346344, PMCID: PMC8962531

NM_000363.5(TNNI3):c.12-10C>G

Gene: TNNI3 (troponin I3, cardiac type; minus strand). Cytogenetic location: 19q13.42.
Variant type: single nucleotide variant.
Coding change: c.12-10C>G on transcript NM_000363.5 (MANE Select); 10 bases into the intron before coding-DNA position 12, C replaced by G.
Molecular consequence: intron variant.
Genome position (GRCh38, 1-based): chr19:55,157,318, G>C on the plus strand (C>G on the coding strand, the complement: TNNI3 is on the minus strand). VCF-style: chr19-55157318-G-C. GRCh37 (hg19) VCF-style: chr19-55668686-G-C.
Identifiers: ClinVar variation 3071826 (VCV003071826.1), dbSNP rs2515504390, ClinGen allele CA2825002825.